The following is an entry in ClinVar:

ClinVar aggregate classification (germline): Uncertain significance. Review status: criteria provided, multiple submitters, no conflicts (2 of 4 stars). 2 submissions from 2 submitters: Uncertain significance (2). Last evaluated 2025-09-05.

Conditions:
Inborn genetic diseases. Identifiers: MedGen C0950123, MeSH D030342.

Allele frequency attached by ClinVar (database versions not stated): gnomAD exomes 0.00001 and 0.00002; ExAC 0.00002; gnomAD 0.00007; ESP Exome Variant Server 0.00008; TOPMed 0.00009.

Submissions (2):

Ambry Genetics
Classification: Uncertain significance for Inborn genetic diseases. Last evaluated: 2025-09-05. Review status: criteria provided, single submitter. Criteria: Ambry Variant Classification Scheme 2023. Collection method: clinical testing. Allele origin: germline.

Labcorp Genetics (formerly Invitae), Labcorp
Classification: Uncertain significance. Last evaluated: 2022-01-27. Review status: criteria provided, single submitter. Criteria: Invitae Variant Classification Sherloc (09022015). Collection method: clinical testing. Allele origin: germline.
Comment: This sequence change replaces glycine, which is neutral and non-polar, with serine, which is neutral and polar, at codon 427 of the ACBD5 protein (p.Gly427Ser). This variant is present in population databases (rs377281055, gnomAD 0.03%). This variant has not been reported in the literature in individuals affected with ACBD5-related conditions. Algorithms developed to predict the effect of missense changes on protein structure and function are either unavailable or do not agree on the potential impact of this missense change (SIFT: "Deleterious"; PolyPhen-2: "Probably Damaging"; Align-GVGD: "Class C0"). In summary, the available evidence is currently insufficient to determine the role of this variant in disease. Therefore, it has been classified as a Variant of Uncertain Significance.

NM_145698.5(ACBD5):c.1279G>A (p.Gly427Ser)

Gene: ACBD5 (acyl-CoA binding domain containing 5; minus strand). Cytogenetic location: 10p12.1.
Variant type: single nucleotide variant.
Coding change: c.1279G>A on transcript NM_145698.5 (MANE Select); coding-DNA position 1279, G replaced by A.
Protein change: p.Gly427Ser; replaces glycine 427 with serine.
Molecular consequence: missense variant.
Genome position (GRCh38, 1-based): chr10:27,208,371, C>T on the plus strand (G>A on the coding strand, the complement: ACBD5 is on the minus strand). VCF-style: chr10-27208371-C-T. GRCh37 (hg19) VCF-style: chr10-27497300-C-T.
Other names: c.1279G>A (NM_145698.3); c.1174G>A, p.Gly392Ser (NM_001352577.2, NM_001352578.2, NM_001352579.2 and 1 more transcripts); c.1120G>A, p.Gly374Ser (NM_001352580.2); c.1108G>A, p.Gly370Ser (NM_001352581.1); c.970G>A, p.Gly324Ser (NM_001352582.2); c.952G>A, p.Gly318Ser (NM_001352583.1, NM_001352584.1, NM_001301251.2 and 2 more transcripts); c.985G>A, p.Gly329Ser (NM_001352585.1); c.1102G>A, p.Gly368Ser (NM_001352586.1); and 11 more; short protein forms G357S, G392S, G403S, G425S, G445S, G250S, G318S, G329S.
Identifiers: ClinVar variation 1360658 (VCV001360658.7), dbSNP rs377281055, ClinGen allele CA5450681.